The following is an entry in ClinVar:

NM_001377142.1(PLCB4):c.226-8C>T

Gene: PLCB4 (phospholipase C beta 4; plus strand). Cytogenetic location: 20p12.2.
Variant type: single nucleotide variant.
Coding change: c.226-8C>T on transcript NM_001377142.1 (MANE Select); 8 bases into the intron before coding-DNA position 226, C replaced by T.
Molecular consequence: intron variant.
Genome position (GRCh38, 1-based): chr20:9,338,886, C>T. VCF-style: chr20-9338886-C-T. GRCh37 (hg19) VCF-style: chr20-9319533-C-T.
Other names: c.226-8C>T (NM_001377134.2, NM_000933.4, NM_182797.3 and 4 more transcripts).
Identifiers: ClinVar variation 339553 (VCV000339553.6), dbSNP rs78678483, ClinGen allele CA9760770.
Genomic context (GRCh38, chr20:9,338,886, plus strand): 5'-ACCACGTTTCTTCCTCCATGCTCTGTGATGTAACTTATTTTTTTTTCTATCTGTGTACCT[C>T]TATACAGGATCCCAAAATCTTGGCTGCTCTTGAAGCTGTTGGAAAATCAGAAAATGATCT-3'

ClinVar aggregate classification (germline): Benign/Likely benign. Review status: criteria provided, multiple submitters, no conflicts (2 of 4 stars). 2 submissions from 2 submitters: Benign (1); Likely benign (1). Last evaluated 2023-09-05.

Conditions:
Auriculocondylar syndrome 2 (ARCND2A). Also called: AURICULOCONDYLAR SYNDROME 2A. Identifiers: Orphanet 137888, MedGen C3553404, MONDO:0013845, OMIM 614669.

Allele frequency attached by ClinVar (database versions not stated): gnomAD exomes 0.00003 and 0.00013; gnomAD 0.00004 and 0.00005; ExAC 0.00008; TOPMed 0.00011.
gnomAD v4.1: 60 of 1,611,522 alleles (0.0037%); highest among the groups gnomAD compares: East Asian, 0.12%; 1 homozygote.

Submissions (2):

Blueprint Genetics
Classification: Likely benign. Last evaluated: 2023-09-05. Review status: criteria provided, single submitter. Criteria: ACMG Guidelines, 2015. Collection method: clinical testing. Allele origin: germline.

Illumina Laboratory Services, Illumina
Classification: Benign for Auriculocondylar syndrome 2. Last evaluated: 2018-01-12. Review status: criteria provided, single submitter. Criteria: ICSL Variant Classification Criteria 13 December 2019. Collection method: clinical testing. Allele origin: germline.
Comment: This variant was observed in the ICSL laboratory as part of a predisposition screen in an ostensibly healthy population. It had not been previously curated by ICSL or reported in the Human Gene Mutation Database (HGMD: prior to June 1st, 2018), and was therefore a candidate for classification through an automated scoring system. Utilizing variant allele frequency, disease prevalence and penetrance estimates, and inheritance mode, an automated score was calculated to assess if this variant is too frequent to cause the disease. Based on the score and internal cut-off values, a variant classified as benign is not then subjected to further curation. The score for this variant resulted in a classification of benign for this disease.